The following is an entry in ClinVar:

NM_020964.3(EPG5):c.3847G>A (p.Val1283Met)

Gene: EPG5 (ectopic P-granules 5 autophagy tethering factor; minus strand). Cytogenetic location: 18q21.1.
Variant type: single nucleotide variant.
Coding change: c.3847G>A on transcript NM_020964.3 (MANE Select); coding-DNA position 3847, G replaced by A.
Protein change: p.Val1283Met; replaces valine 1283 with methionine.
Molecular consequence: missense variant.
Genome position (GRCh38, 1-based): chr18:45,912,426, C>T on the plus strand (G>A on the coding strand, the complement: EPG5 is on the minus strand). VCF-style: chr18-45912426-C-T. GRCh37 (hg19) VCF-style: chr18-43492391-C-T.
Other names: c.3847G>A (NM_020964.2); short protein forms V1283M.
Identifiers: ClinVar variation 1399683 (VCV001399683.6), dbSNP rs377030279, ClinGen allele CA402341017.

ClinVar aggregate classification (germline): Uncertain significance. Review status: criteria provided, multiple submitters, no conflicts (2 of 4 stars). 3 submissions from 3 submitters: Uncertain significance (3). Last evaluated 2024-11-28.

Conditions:
Vici syndrome (VICIS). Identifiers: Orphanet 1493, MedGen C1855772, MONDO:0009452, OMIM 242840.
Inborn genetic diseases. Identifiers: MedGen C0950123, MeSH D030342.

Allele frequency attached by ClinVar (database versions not stated): gnomAD exomes below 0.00001; gnomAD 0.00001.
gnomAD v4.1: 12 of 1,603,014 alleles (0.00075%); highest among the groups gnomAD compares: East Asian, 0.0067%; no homozygotes.

Submissions (3):

Blueprint Genetics
Classification: Uncertain significance. Last evaluated: 2024-11-28. Review status: criteria provided, single submitter. Criteria: ACMG Guidelines, 2015. Collection method: clinical testing. Allele origin: germline.

Ambry Genetics
Classification: Uncertain significance for Inborn genetic diseases. Last evaluated: 2024-01-30. Review status: criteria provided, single submitter. Criteria: Ambry Variant Classification Scheme 2023. Collection method: clinical testing. Allele origin: germline.

Labcorp Genetics (formerly Invitae), Labcorp
Classification: Uncertain significance for Vici syndrome. Last evaluated: 2021-12-19. Review status: criteria provided, single submitter. Criteria: Invitae Variant Classification Sherloc (09022015). Collection method: clinical testing. Allele origin: germline.
Comment: This sequence change replaces valine, which is neutral and non-polar, with methionine, which is neutral and non-polar, at codon 1283 of the EPG5 protein (p.Val1283Met). The frequency data for this variant in the population databases is considered unreliable, as metrics indicate poor data quality at this position in the gnomAD database. This variant has not been reported in the literature in individuals affected with EPG5-related conditions. Algorithms developed to predict the effect of missense changes on protein structure and function are either unavailable or do not agree on the potential impact of this missense change (SIFT: "Deleterious"; PolyPhen-2: "Probably Damaging"; Align-GVGD: "Class C0"). In summary, the available evidence is currently insufficient to determine the role of this variant in disease. Therefore, it has been classified as a Variant of Uncertain Significance.